The following is an entry in ClinVar:

ClinVar aggregate classification (germline): Uncertain significance (1 of 4 stars; one submission).

gnomAD v4.1: 3 of 1,209,842 alleles (0.00025%); highest among the groups gnomAD compares: African/African-American, 0.0052%; no homozygotes.

Submission:

GeneDx
Classification: Uncertain significance. Last evaluated: 2024-10-28. Review status: criteria provided, single submitter. Criteria: GeneDx Variant Classification Process June 2021. Collection method: clinical testing. Allele origin: germline. Affected: yes.
Comment: Not observed at significant frequency in large population cohorts (gnomAD); In silico analysis supports that this missense variant has a deleterious effect on protein structure/function; Has not been previously published as pathogenic or benign to our knowledge

NM_001271696.3(ABCB7):c.434G>C (p.Gly145Ala)

Gene: ABCB7 (ATP binding cassette subfamily B member 7; minus strand). Cytogenetic location: Xq13.3.
Variant type: single nucleotide variant.
Coding change: c.434G>C on transcript NM_001271696.3 (MANE Select); coding-DNA position 434, G replaced by C.
Protein change: p.Gly145Ala; replaces glycine 145 with alanine.
Molecular consequence: missense variant. On other transcripts: intron variant (2).
Genome position (GRCh38, 1-based): chrX:75,098,961, C>G on the plus strand (G>C on the coding strand, the complement: ABCB7 is on the minus strand). VCF-style: chrX-75098961-C-G. GRCh37 (hg19) VCF-style: chrX-74318796-C-G.
Other names: c.356G>C, p.Gly119Ala (NM_001271698.3); c.437G>C, p.Gly146Ala (NM_004299.6); c.333+13925G>C (NM_001271697.3); c.336+13925G>C (NM_001271699.3); short protein forms G119A, G145A, G146A.
Identifiers: ClinVar variation 3893634 (VCV003893634.1).